The following is an entry in ClinVar:

ClinVar aggregate classification (germline): Uncertain significance (1 of 4 stars; one submission).

Conditions:
Brugada syndrome. Also called: Sudden Unexplained Death Syndrome; Sudden Unexplained Nocturnal Death Syndrome (SUNDS); Sudden unexpected nocturnal death syndrome; Sudden unexplained nocturnal death syndrome. Identifiers: Orphanet 130, MedGen C1142166, MONDO:0015263.

Allele frequency attached by ClinVar (database versions not stated): gnomAD exomes below 0.00001; TOPMed 0.00002.
gnomAD v4.1: 1 of 1,579,660 alleles (0.000063%); highest among the groups gnomAD compares: Admixed American, 0.0018%; no homozygotes.

Submission:

Labcorp Genetics (formerly Invitae), Labcorp
Classification: Uncertain significance for Brugada syndrome. Last evaluated: 2021-06-30. Review status: criteria provided, single submitter. Criteria: Invitae Variant Classification Sherloc (09022015). Collection method: clinical testing. Allele origin: germline.
Comment: This sequence change replaces isoleucine with valine at codon 80 of the SLMAP protein (p.Ile80Val). The isoleucine residue is highly conserved and there is a small physicochemical difference between isoleucine and valine. This variant is not present in population databases (ExAC no frequency). This variant has not been reported in the literature in individuals affected with SLMAP-related conditions. Algorithms developed to predict the effect of missense changes on protein structure and function (SIFT, PolyPhen-2, Align-GVGD) all suggest that this variant is likely to be tolerated. In summary, the available evidence is currently insufficient to determine the role of this variant in disease. Therefore, it has been classified as a Variant of Uncertain Significance.

NM_001377540.1(SLMAP):c.238A>G (p.Ile80Val)

Gene: SLMAP (sarcolemma associated protein; plus strand). Cytogenetic location: 3p14.3.
Variant type: single nucleotide variant.
Coding change: c.238A>G on transcript NM_001377540.1 (MANE Select); coding-DNA position 238, A replaced by G.
Protein change: p.Ile80Val; replaces isoleucine 80 with valine.
Molecular consequence: missense variant. On other transcripts: non-coding transcript variant (1).
Genome position (GRCh38, 1-based): chr3:57,831,422, A>G. VCF-style: chr3-57831422-A-G. GRCh37 (hg19) VCF-style: chr3-57817149-A-G.
Other names: c.238A>G, p.Ile80Val (NM_001304420.3, NM_001304421.2, NM_001377538.1 and 17 more transcripts); short protein forms I80V.
Identifiers: ClinVar variation 1510283 (VCV001510283.8), dbSNP rs901486021, ClinGen allele CA75404218.